The following is an entry in ClinVar:

ClinVar aggregate classification (germline): Uncertain significance (1 of 4 stars; one submission).

Submission:

Ambry Genetics
Classification: Uncertain significance. Last evaluated: 2024-02-24. Review status: criteria provided, single submitter. Criteria: Ambry Variant Classification Scheme 2023. Collection method: clinical testing. Allele origin: germline.
Comment: The p.E87K variant (also known as c.259G>A), located in coding exon 3 of the KIF1B gene, results from a G to A substitution at nucleotide position 259. The glutamic acid at codon 87 is replaced by lysine, an amino acid with similar properties. This amino acid position is conserved. In addition, this alteration is predicted to be deleterious by in silico analysis. Based on the available evidence, the clinical significance of this alteration remains unclear.

NM_001365951.3(KIF1B):c.259G>A (p.Glu87Lys)

Gene: KIF1B (kinesin family member 1B; plus strand). Cytogenetic location: 1p36.22.
Variant type: single nucleotide variant.
Coding change: c.259G>A on transcript NM_001365951.3 (MANE Select); coding-DNA position 259, G replaced by A.
Protein change: p.Glu87Lys; replaces glutamic acid 87 with lysine.
Molecular consequence: missense variant.
Genome position (GRCh38, 1-based): chr1:10,258,568, G>A. VCF-style: chr1-10258568-G-A. GRCh37 (hg19) VCF-style: chr1-10318626-G-A.
Other names: c.259G>A, p.Glu87Lys (NM_001365952.1, NM_001365953.1, NM_015074.3 and 1 more transcripts); short protein forms E87K.
Identifiers: ClinVar variation 3226406 (VCV003226406.1), dbSNP rs561371619, ClinGen allele CA338325151.
Genomic context (GRCh38, chr1:10,258,568, plus strand): 5'-TTTGCATCTCAAAACCGTGTGTACAATGACATTGGCAAGGAAATGCTCTTACACGCCTTT[G>A]AGGGATATAATGTCTGTATTTTTGCCTATGGGCAGACTGGTGCTGGAAAATCTTATACAA-3'
Protein context (NP_001352880.1, residues 77-97): IGKEMLLHAF[Glu87Lys]GYNVCIFAYG